The following is an entry in ClinVar:

ClinVar aggregate classification (germline): Uncertain significance. Review status: criteria provided, multiple submitters, no conflicts (2 of 4 stars). 2 submissions from 2 submitters: Uncertain significance (2). Last evaluated 2024-06-17.

Conditions:
Inborn genetic diseases. Identifiers: MedGen C0950123, MeSH D030342.

Allele frequency attached by ClinVar (database versions not stated): ExAC 0.00001; gnomAD 0.00001; gnomAD exomes 0.00001.
gnomAD v4.1: 17 of 1,604,668 alleles (0.0011%); highest among the groups gnomAD compares: Admixed American, 0.0034%; no homozygotes.

Submissions (2):

Ambry Genetics
Classification: Uncertain significance for Inborn genetic diseases. Last evaluated: 2024-06-17. Review status: criteria provided, single submitter. Criteria: Ambry Variant Classification Scheme 2023. Collection method: clinical testing. Allele origin: germline.

Labcorp Genetics (formerly Invitae), Labcorp
Classification: Uncertain significance. Last evaluated: 2022-04-25. Review status: criteria provided, single submitter. Criteria: Invitae Variant Classification Sherloc (09022015). Collection method: clinical testing. Allele origin: germline.
Comment: This sequence change replaces arginine, which is basic and polar, with glutamine, which is neutral and polar, at codon 898 of the PTPN23 protein (p.Arg898Gln). This variant is present in population databases (rs765713813, gnomAD 0.006%). This variant has not been reported in the literature in individuals affected with PTPN23-related conditions. Algorithms developed to predict the effect of missense changes on protein structure and function output the following: SIFT: "Tolerated"; PolyPhen-2: "Not Available"; Align-GVGD: "Class C0". The glutamine amino acid residue is found in multiple mammalian species, which suggests that this missense change does not adversely affect protein function. In summary, the available evidence is currently insufficient to determine the role of this variant in disease. Therefore, it has been classified as a Variant of Uncertain Significance.

NM_015466.4(PTPN23):c.2693G>A (p.Arg898Gln)

Gene: PTPN23 (protein tyrosine phosphatase non-receptor type 23; plus strand). Cytogenetic location: 3p21.31.
Variant type: single nucleotide variant.
Coding change: c.2693G>A on transcript NM_015466.4 (MANE Select); coding-DNA position 2693, G replaced by A.
Protein change: p.Arg898Gln; replaces arginine 898 with glutamine.
Molecular consequence: missense variant.
Genome position (GRCh38, 1-based): chr3:47,410,491, G>A. VCF-style: chr3-47410491-G-A. GRCh37 (hg19) VCF-style: chr3-47451981-G-A.
Other names: c.2315G>A, p.Arg772Gln (NM_001304482.2); c.2693G>A (NM_015466.2); short protein forms R772Q, R898Q.
Identifiers: ClinVar variation 1914329 (VCV001914329.3), dbSNP rs765713813, ClinGen allele CA2366105.